The following is an entry in ClinVar:

NM_001035.3(RYR2):c.4941G>A (p.Gln1647=)

Gene: RYR2 (ryanodine receptor 2; plus strand). Cytogenetic location: 1q43.
Variant type: single nucleotide variant.
Coding change: c.4941G>A on transcript NM_001035.3 (MANE Select); coding-DNA position 4941, G replaced by A.
Protein change: p.Gln1647=; no amino-acid change (glutamine 1647 retained).
Molecular consequence: synonymous variant.
Genome position (GRCh38, 1-based): chr1:237,614,069, G>A. VCF-style: chr1-237614069-G-A. GRCh37 (hg19) VCF-style: chr1-237777369-G-A.
Identifiers: ClinVar variation 179623 (VCV000179623.10), dbSNP rs727504997, ClinGen allele CA009721.

ClinVar aggregate classification (germline): Likely benign (1 of 4 stars; one submission).

Submission:

Laboratory for Molecular Medicine, Mass General Brigham Personalized Medicine
Classification: Likely benign. Last evaluated: 2014-02-28. Review status: criteria provided, single submitter. Criteria: LMM Criteria. Collection method: clinical testing. Allele origin: germline. Observed: 1 variant allele.
Comment: Gln1647Gln in exon 37 of RYR2: This variant is not expected to have clinical sig nificance because it does not alter an amino acid residue and is not located nea r a splice junction. Gln1647Gln in exon 37 of RYR2 (allele frequency = n/a)